The following is an entry in ClinVar:

NM_032119.4(ADGRV1):c.5718C>A (p.Asp1906Glu)

Gene: ADGRV1 (adhesion G protein-coupled receptor V1; plus strand). Cytogenetic location: 5q14.3.
Variant type: single nucleotide variant.
Coding change: c.5718C>A on transcript NM_032119.4 (MANE Select); coding-DNA position 5718, C replaced by A.
Protein change: p.Asp1906Glu; replaces aspartic acid 1906 with glutamic acid.
Molecular consequence: missense variant. On other transcripts: non-coding transcript variant (1).
Genome position (GRCh38, 1-based): chr5:90,683,639, C>A. VCF-style: chr5-90683639-C-A. GRCh37 (hg19) VCF-style: chr5-89979456-C-A.
Other names: short protein forms D1906E.
Identifiers: ClinVar variation 1716184 (VCV001716184.5), dbSNP rs941326382, ClinGen allele CA122801239.
Genomic context (GRCh38, chr5:90,683,639, plus strand): 5'-TTTGTAGGTTATAAGACATCATGGAACTCTGTCTCCAGTGACTTTGCATTGGAACATAGA[C>A]TCTGATCCTGATGGTGATCTCGCCTTCACCTCTGGCAACATCACATTTGAGATTGGGCAG-3'
Protein context (NP_115495.3, residues 1896-1916): LSPVTLHWNI[Asp1906Glu]SDPDGDLAFT

ClinVar aggregate classification (germline): Uncertain significance (1 of 4 stars; one submission).

Allele frequency attached by ClinVar (database versions not stated): gnomAD 0.00001; TOPMed 0.00002.
gnomAD v4.1: 1 of 1,612,482 alleles (0.000062%); highest among the groups gnomAD compares: African/African-American, 0.0013%; no homozygotes.

Submission:

Labcorp Genetics (formerly Invitae), Labcorp
Classification: Uncertain significance. Last evaluated: 2022-07-16. Review status: criteria provided, single submitter. Criteria: Invitae Variant Classification Sherloc (09022015). Collection method: clinical testing. Allele origin: germline.
Comment: This sequence change replaces aspartic acid, which is acidic and polar, with glutamic acid, which is acidic and polar, at codon 1906 of the ADGRV1 protein (p.Asp1906Glu). This variant is not present in population databases (gnomAD no frequency). In summary, the available evidence is currently insufficient to determine the role of this variant in disease. Therefore, it has been classified as a Variant of Uncertain Significance. This variant has not been reported in the literature in individuals affected with ADGRV1-related conditions. Algorithms developed to predict the effect of missense changes on protein structure and function are either unavailable or do not agree on the potential impact of this missense change (SIFT: "Tolerated"; PolyPhen-2: "Possibly Damaging"; Align-GVGD: "Class C0").